The following is an entry in ClinVar:

NM_007294.4(BRCA1):c.3813dup (p.Asn1272Ter)

Genes: BRCA1 (BRCA1 DNA repair associated; minus strand), LOC126862571 (BRD4-independent group 4 enhancer GRCh37_chr17:41243136-41244335; plus strand). Cytogenetic location: 17q21.31.
Variant type: Duplication.
Coding change: c.3813dup on transcript NM_007294.4 (MANE Select); coding-DNA position 3813, one base duplicated (T; older notation c.3813dupT).
Protein change: p.Asn1272Ter; replaces asparagine 1272 with a stop codon.
Molecular consequence: nonsense. On other transcripts: frameshift variant (1), intron variant (135).
Genome position (GRCh38, 1-based): chr17:43,091,718, A duplicated on the plus strand (T on the coding strand, the reverse complement: BRCA1 is on the minus strand). VCF-style (leftmost placement, unchanged base first): chr17-43091717-T-TA. GRCh37 (hg19) VCF-style: chr17-41243734-T-TA.
Other names: 3932_3933insT; c.3813dupT (NM_007294.3); c.3810dup, p.Asn1271Ter (NM_001407630.1, NM_001407631.1, NM_001407632.1 and 22 more transcripts); c.3813dup, p.Asn1272Ter (NM_001407639.1, NM_001407640.1, NM_001407641.1 and 30 more transcripts); c.3804dup, p.Asn1269Ter (NM_001407646.1, NM_001407647.1); c.3690dup, p.Asn1231Ter (NM_001407648.1, NM_001407664.1, NM_001407665.1 and 19 more transcripts); c.3687dup, p.Asn1230Ter (NM_001407649.1, NM_001407670.1, NM_001407671.1 and 11 more transcripts); c.3735dup, p.Asn1246Ter (NM_001407653.1, NM_001407654.1, NM_001407655.1 and 4 more transcripts); and 43 more; short protein forms N1272*, N1225*, N1104*, N1183*, N1184*, N1201*, N1269*, N404*.
Identifiers: ClinVar variation 55013 (VCV000055013.14), dbSNP rs397509108, ClinGen allele CA327899.
Genomic context (GRCh38, chr17:43,091,717, plus strand): 5'-AACATTTTGTTTCCTCACTAAGGTGATGTTCCTGAGATGCCTTTGCCAATATTACCTGGT[T>TA]ACTGCAGTCATTTAAGCTATTCTTCAATGATAATAAATTCTCCTCTGTGTTCTTAGACAG-3'

ClinVar aggregate classification (germline): Pathogenic. Review status: reviewed by expert panel (3 of 4 stars). 5 submissions from 5 submitters: Pathogenic (1). 4 of the submissions do not count toward it. Last evaluated 2016-10-18.

Conditions:
Hereditary breast ovarian cancer syndrome. Also called: BRCA1- and BRCA2-Associated Hereditary Breast and Ovarian Cancer; Hereditary breast and ovarian cancer syndrome; Hereditary breast and ovarian cancer syndrome (HBOC); Breast and ovarian cancer; Hereditary breast and/or ovarian cancer syndrome; Hereditary breast and ovarian cancer. Identifiers: Orphanet 145, MedGen C0677776, MeSH D061325, MONDO:0003582. Disease mechanism: loss of function.
Breast-ovarian cancer, familial, susceptibility to, 1 (BROVCA1). Also called: BRCA1 Hereditary Breast and Ovarian Cancer; OVARIAN CANCER, SUSCEPTIBILITY TO. Identifiers: Orphanet 145, MedGen C2676676, MONDO:0011450, OMIM 604370. Disease mechanism: loss of function.

Submissions (5):

Evidence-based Network for the Interpretation of Germline Mutant Alleles (ENIGMA)
Classification: Pathogenic for Breast-ovarian cancer, familial, susceptibility to, 1. Last evaluated: 2016-10-18. Review status: reviewed by expert panel. Criteria: ENIGMA BRCA1/2 Classification Criteria (2015). Collection method: curation. Allele origin: germline.
Comment: Variant allele predicted to encode a truncated non-functional protein.

Labcorp Genetics (formerly Invitae), Labcorp
Classification: Pathogenic for Hereditary breast ovarian cancer syndrome. Last evaluated: 2023-10-04. Review status: criteria provided, single submitter. Criteria: Invitae Variant Classification Sherloc (09022015). Collection method: clinical testing. Allele origin: germline. Not counted in ClinVar's aggregate classification.
Comment: This sequence change creates a premature translational stop signal (p.Asn1272*) in the BRCA1 gene. It is expected to result in an absent or disrupted protein product. Loss-of-function variants in BRCA1 are known to be pathogenic (PMID: 20104584). This variant is not present in population databases (gnomAD no frequency). This premature translational stop signal has been observed in individual(s) with a personal or family history of breast and/or ovarian cancer (PMID: 22798144, 28111427, 29339979). ClinVar contains an entry for this variant (Variation ID: 55013). For these reasons, this variant has been classified as Pathogenic.

Genetics and Molecular Pathology, SA Pathology
Classification: Pathogenic for Breast-ovarian cancer, familial, susceptibility to, 1. Last evaluated: 2021-08-09. Review status: criteria provided, single submitter. Criteria: ACMG Guidelines, 2015. Collection method: clinical testing. Allele origin: germline. Affected: yes. Not counted in ClinVar's aggregate classification.

Quest Diagnostics Nichols Institute San Juan Capistrano
Classification: Pathogenic. Last evaluated: 2019-02-23. Review status: criteria provided, single submitter. Criteria: Quest Diagnostics criteria. Collection method: clinical testing. Allele origin: germline. Not counted in ClinVar's aggregate classification.
Comment: The variant creates a premature nonsense codon, and is therefore predicted to result in the loss of a functional protein. Found in at least one symptomatic patient, and not found in general population data.

Department of Medical Genetics, Oslo University Hospital
Classification: Pathogenic for Breast-ovarian cancer, familial, susceptibility to, 1. Last evaluated: 2015-11-04. Review status: criteria provided, single submitter. Criteria: ACMG Guidelines, 2015. Collection method: clinical testing. Allele origin: germline. Affected: yes. Observed: 1 variant allele. Not counted in ClinVar's aggregate classification.

Literature cited by the submitters: PubMed 20104584 (cited by Labcorp Genetics (formerly Invitae), Labcorp); PubMed 22798144 (cited by Labcorp Genetics (formerly Invitae), Labcorp and Quest Diagnostics Nichols Institute San Juan Capistrano); PubMed 28111427 (cited by Labcorp Genetics (formerly Invitae), Labcorp); PubMed 29339979 (cited by Labcorp Genetics (formerly Invitae), Labcorp).